The following is an entry in ClinVar:

NM_003280.3(TNNC1):c.5A>G (p.Asp2Gly)

Gene: TNNC1 (troponin C1, slow skeletal and cardiac type; minus strand). Cytogenetic location: 3p21.1.
Variant type: single nucleotide variant.
Coding change: c.5A>G on transcript NM_003280.3 (MANE Select); coding-DNA position 5, A replaced by G.
Protein change: p.Asp2Gly; replaces aspartic acid 2 with glycine.
Molecular consequence: missense variant.
Genome position (GRCh38, 1-based): chr3:52,454,011, T>C on the plus strand (A>G on the coding strand, the complement: TNNC1 is on the minus strand). VCF-style: chr3-52454011-T-C. GRCh37 (hg19) VCF-style: chr3-52488027-T-C.
Other names: short protein forms D2G.
Identifiers: ClinVar variation 44684 (VCV000044684.10), dbSNP rs397516850, ClinGen allele CA134863.

ClinVar aggregate classification (germline): Uncertain significance. Review status: criteria provided, multiple submitters, no conflicts (2 of 4 stars). 3 submissions from 3 submitters: Uncertain significance (3). Last evaluated 2023-06-19.

Conditions:
Cardiovascular phenotype. Identifiers: MedGen CN230736.
Dilated cardiomyopathy 1Z (CMD1Z). Identifiers: Orphanet 154, MedGen C2678475, MONDO:0012745, OMIM 611879.
Hypertrophic cardiomyopathy 13. Also called: TNNC1-Related Familial Hypertrophic Cardiomyopathy. Identifiers: MedGen C2750472, MONDO:0013195, OMIM 613243.

Submissions (3):

Labcorp Genetics (formerly Invitae), Labcorp
Classification: Uncertain significance for Hypertrophic cardiomyopathy 13; Dilated cardiomyopathy 1Z. Last evaluated: 2023-06-19. Review status: criteria provided, single submitter. Criteria: Invitae Variant Classification Sherloc (09022015). Collection method: clinical testing. Allele origin: germline.
Comment: ClinVar contains an entry for this variant (Variation ID: 44684). This missense change has been observed in individual(s) with dilated cardiomyopathy (Invitae). An algorithm developed to predict the effect of missense changes on protein structure and function (PolyPhen-2) suggests that this variant is likely to be tolerated. In summary, the available evidence is currently insufficient to determine the role of this variant in disease. Therefore, it has been classified as a Variant of Uncertain Significance. This sequence change replaces aspartic acid, which is acidic and polar, with glycine, which is neutral and non-polar, at codon 2 of the TNNC1 protein (p.Asp2Gly). This variant is not present in population databases (gnomAD no frequency).

Ambry Genetics
Classification: Uncertain significance for Cardiovascular phenotype. Last evaluated: 2021-03-23. Review status: criteria provided, single submitter. Criteria: Ambry Variant Classification Scheme 2023. Collection method: clinical testing. Allele origin: germline.
Comment: The p.D2G variant (also known as c.5A>G), located in coding exon 1 of the TNNC1 gene, results from an A to G substitution at nucleotide position 5. The aspartic acid at codon 2 is replaced by glycine, an amino acid with similar properties. This amino acid position is well conserved in available vertebrate species. In addition, this alteration is predicted to be tolerated by in silico analysis. Since supporting evidence is limited at this time, the clinical significance of this alteration remains unclear.

Laboratory for Molecular Medicine, Mass General Brigham Personalized Medicine
Classification: Uncertain significance. Last evaluated: 2012-03-09. Review status: criteria provided, single submitter. Criteria: LMM Criteria. Collection method: clinical testing. Allele origin: germline. Observed: 1 variant allele.
Comment: The Asp2Gly variant (TNNC1) has not been reported in the literature nor previous ly identified by our laboratory. Computational analyses (biochemical amino acid properties, conservation, AlignGVGD, PolyPhen2, and SIFT) do not provide strong support for or against an impact to the protein. Additional information is neede d to fully assess the clinical significance of this variant.